The following is an entry in ClinVar:

ClinVar aggregate classification (germline): Uncertain significance (1 of 4 stars; one submission).

Allele frequency attached by ClinVar (database versions not stated): gnomAD exomes below 0.00001; gnomAD 0.00001; TOPMed 0.00001.
gnomAD v4.1: 7 of 1,614,050 alleles (0.00043%); highest among the groups gnomAD compares: Non-Finnish European, 0.00059%; no homozygotes.

Submission:

CeGaT Center for Human Genetics Tuebingen
Classification: Uncertain significance. Last evaluated: 2024-02-01. Review status: criteria provided, single submitter. Criteria: CeGaT Center For Human Genetics Tuebingen Variant Classification Criteria Version 2. Collection method: clinical testing. Allele origin: germline. Affected: yes. Observed: 1 variant allele.
Comment: MTOR: PM2:Supporting

NM_004958.4(MTOR):c.3671A>G (p.Asp1224Gly)

Gene: MTOR (mechanistic target of rapamycin kinase; minus strand). Cytogenetic location: 1p36.22.
Variant type: single nucleotide variant.
Coding change: c.3671A>G on transcript NM_004958.4 (MANE Select); coding-DNA position 3671, A replaced by G.
Protein change: p.Asp1224Gly; replaces aspartic acid 1224 with glycine.
Molecular consequence: missense variant.
Genome position (GRCh38, 1-based): chr1:11,209,442, T>C on the plus strand (A>G on the coding strand, the complement: MTOR is on the minus strand). VCF-style: chr1-11209442-T-C. GRCh37 (hg19) VCF-style: chr1-11269499-T-C.
Other names: c.3671A>G, p.Asp1224Gly (NM_001386500.1); c.2423A>G, p.Asp808Gly (NM_001386501.1); short protein forms D1224G, D808G.
Identifiers: ClinVar variation 3025911 (VCV003025911.22), dbSNP rs1264783501, ClinGen allele CA338370992.
Genomic context (GRCh38, chr1:11,209,442, plus strand): 5'-GCATCCCCTTGGCCACTCCTAAGCATCCGATGCTGGTAAATCAAAGGATCCTCCTCTTCA[T>C]CAGCAAGTGTGTATCCCTACAACCAAAGATTTATAGGAAACACCTATAACTCTACTAGAT-3'
Protein context (NP_004949.1, residues 1214-1234): CRIVKGYTLA[Asp1224Gly]EEEDPLIYQH